The following is an entry in ClinVar:

ClinVar aggregate classification (germline): Uncertain significance (1 of 4 stars; one submission).

Submission:

GeneDx
Classification: Uncertain significance. Last evaluated: 2023-03-29. Review status: criteria provided, single submitter. Criteria: GeneDx Variant Classification Process June 2021. Collection method: clinical testing. Allele origin: germline. Affected: yes.
Comment: Not observed at significant frequency in large population cohorts (gnomAD); In silico analysis supports that this missense variant has a deleterious effect on protein structure/function; Has not been previously published as pathogenic or benign to our knowledge

NM_182961.4(SYNE1):c.24530G>C (p.Ser8177Thr)

Gene: SYNE1 (spectrin repeat containing nuclear envelope protein 1; minus strand). Cytogenetic location: 6q25.2.
Variant type: single nucleotide variant.
Coding change: c.24530G>C on transcript NM_182961.4 (MANE Select); coding-DNA position 24530, G replaced by C.
Protein change: p.Ser8177Thr; replaces serine 8177 with threonine.
Molecular consequence: missense variant.
Genome position (GRCh38, 1-based): chr6:152,149,589, C>G on the plus strand (G>C on the coding strand, the complement: SYNE1 is on the minus strand). VCF-style: chr6-152149589-C-G. GRCh37 (hg19) VCF-style: chr6-152470724-C-G.
Other names: c.1136G>C, p.Ser379Thr (NM_001347701.2); c.995G>C, p.Ser332Thr (NM_001347702.2); c.24317G>C, p.Ser8106Thr (NM_033071.5); short protein forms S332T, S379T, S8106T, S8177T.
Identifiers: ClinVar variation 2582126 (VCV002582126.1), dbSNP rs2550010598, ClinGen allele CA366086307.